The following is an entry in ClinVar:

ClinVar aggregate classification (germline): Uncertain significance (1 of 4 stars; one submission).

gnomAD v4.1: 3 of 1,607,794 alleles (0.00019%); highest among the groups gnomAD compares: South Asian, 0.0011%; no homozygotes.

Submission:

Labcorp Genetics (formerly Invitae), Labcorp
Classification: Uncertain significance. Last evaluated: 2024-03-07. Review status: criteria provided, single submitter. Criteria: Invitae Variant Classification Sherloc (09022015). Collection method: clinical testing. Allele origin: germline.
Comment: This sequence change replaces valine, which is neutral and non-polar, with methionine, which is neutral and non-polar, at codon 539 of the TRIM8 protein (p.Val539Met). This variant is present in population databases (rs369073221, gnomAD 0.003%). This variant has not been reported in the literature in individuals affected with TRIM8-related conditions. An algorithm developed to predict the effect of missense changes on protein structure and function (PolyPhen-2) suggests that this variant is likely to be tolerated. In summary, the available evidence is currently insufficient to determine the role of this variant in disease. Therefore, it has been classified as a Variant of Uncertain Significance.

NM_030912.3(TRIM8):c.1615G>A (p.Val539Met)

Gene: TRIM8 (tripartite motif containing 8; plus strand). Cytogenetic location: 10q24.32.
Variant type: single nucleotide variant.
Coding change: c.1615G>A on transcript NM_030912.3 (MANE Select); coding-DNA position 1615, G replaced by A.
Protein change: p.Val539Met; replaces valine 539 with methionine.
Molecular consequence: missense variant. On other transcripts: non-coding transcript variant (1).
Genome position (GRCh38, 1-based): chr10:102,657,313, G>A. VCF-style: chr10-102657313-G-A. GRCh37 (hg19) VCF-style: chr10-104417070-G-A.
Other names: c.1519G>A, p.Val507Met (NM_001345950.1); short protein forms V507M, V539M.
Identifiers: ClinVar variation 3611858 (VCV003611858.2).
Genomic context (GRCh38, chr10:102,657,313, plus strand): 5'-CTGGCGGTCAGAGACTGGCTTGACGCCTCCCAGCAGCCCGGCCACCAGGATTTCTACAGG[G>A]TGTATGGGCAGCCGTCCACCAAACACTACGTGACGAGCTAACGCCACGCAGGCGGCGGGG-3'
Protein context (NP_112174.2, residues 529-549): QQPGHQDFYR[Val539Met]YGQPSTKHYV